The following is an entry in ClinVar:

NC_000017.10:g.(?_11597165)_(11642374_?)dup

Gene: DNAH9 (dynein axonemal heavy chain 9; plus strand). Cytogenetic location: 17p12.
Variant type: Duplication.
Identifiers: ClinVar variation 2424150 (VCV002424150.3).

ClinVar aggregate classification (germline): Likely pathogenic (1 of 4 stars; one submission).

Submission:

Labcorp Genetics (formerly Invitae), Labcorp
Classification: Likely pathogenic. Last evaluated: 2022-04-01. Review status: criteria provided, single submitter. Criteria: Invitae Variant Classification Sherloc (09022015). Collection method: clinical testing. Allele origin: germline.
Comment: In summary, the currently available evidence indicates that the variant is pathogenic, but additional data are needed to prove that conclusively. Therefore, this variant has been classified as Likely Pathogenic. This variant has not been reported in the literature in individuals affected with DNAH9-related conditions. This variant results in a copy number gain of the genomic region encompassing exon(s) 21-29 of the DNAH9 gene. While the exact position of this variant cannot be determined from the data, sub-genic copy number gains are generally in tandem (PMID: 25640679). This variant is predicted to be out-of-frame, and may result in an absent or disrupted protein product. Loss-of-function variants in DNAH9 are known to be pathogenic (PMID: 30471718).

Literature cited by the submitters: PubMed 25640679; PubMed 30471718.